The following is an entry in ClinVar:

NM_001161352.2(KCNMA1):c.466G>A (p.Val156Ile)

Gene: KCNMA1 (potassium calcium-activated channel subfamily M alpha 1; minus strand). Cytogenetic location: 10q22.3.
Variant type: single nucleotide variant.
Coding change: c.466G>A on transcript NM_001161352.2 (MANE Select); coding-DNA position 466, G replaced by A.
Protein change: p.Val156Ile; replaces valine 156 with isoleucine.
Molecular consequence: missense variant. On other transcripts: intron variant (1).
Genome position (GRCh38, 1-based): chr10:77,403,936, C>T on the plus strand (G>A on the coding strand, the complement: KCNMA1 is on the minus strand). VCF-style: chr10-77403936-C-T. GRCh37 (hg19) VCF-style: chr10-79163694-C-T.
Other names: c.466G>A, p.Val156Ile (NM_001014797.3, NM_001161353.2, NM_001271519.2 and 8 more transcripts); c.379-152680G>A (NM_001271518.2); short protein forms V156I.
Identifiers: ClinVar variation 2123007 (VCV002123007.4), dbSNP rs200928962, ClinGen allele CA5568693.

ClinVar aggregate classification (germline): Uncertain significance (1 of 4 stars; one submission).

Conditions:
Generalized epilepsy-paroxysmal dyskinesia syndrome (PNKD3). Also called: Generalized epilepsy and paroxysmal dyskinesia; Paroxysmal nonkinesigenic dyskinesia, 3, with or without generalized epilepsy. Identifiers: Orphanet 79137, MedGen C5574945, MONDO:0012276, OMIM 609446.

Allele frequency attached by ClinVar (database versions not stated): gnomAD exomes below 0.00001; ExAC 0.00001; gnomAD 0.00001; 1000 Genomes Project 30x 0.00016; 1000 Genomes Project 0.00020.

Submission:

Labcorp Genetics (formerly Invitae), Labcorp
Classification: Uncertain significance for Generalized epilepsy-paroxysmal dyskinesia syndrome. Last evaluated: 2023-11-14. Review status: criteria provided, single submitter. Criteria: Invitae Variant Classification Sherloc (09022015). Collection method: clinical testing. Allele origin: germline.
Comment: This sequence change replaces valine, which is neutral and non-polar, with isoleucine, which is neutral and non-polar, at codon 156 of the KCNMA1 protein (p.Val156Ile). This variant is present in population databases (rs200928962, gnomAD 0.01%). This variant has not been reported in the literature in individuals affected with KCNMA1-related conditions. ClinVar contains an entry for this variant (Variation ID: 2123007). Advanced modeling of protein sequence and biophysical properties (such as structural, functional, and spatial information, amino acid conservation, physicochemical variation, residue mobility, and thermodynamic stability) performed at Invitae indicates that this missense variant is not expected to disrupt KCNMA1 protein function with a negative predictive value of 80%. In summary, the available evidence is currently insufficient to determine the role of this variant in disease. Therefore, it has been classified as a Variant of Uncertain Significance.